The following is an entry in ClinVar:

ClinVar aggregate classification (germline): Likely benign (1 of 4 stars; one submission).

gnomAD v4.1: 32 of 1,612,700 alleles (0.002%); highest among the groups gnomAD compares: Middle Eastern, 0.033%; no homozygotes.

Submission:

Molecular Diagnostic Laboratory for Inherited Cardiovascular Disease, Montreal Heart Institute
Classification: Likely benign. Last evaluated: 2025-04-09. Review status: criteria provided, single submitter. Criteria: ACMG Guidelines, 2015. Collection method: clinical testing. Allele origin: germline. Affected: no.
Comment: BP7

NM_006663.4(PPP1R13L):c.2433G>A (p.Pro811=)

Gene: PPP1R13L (protein phosphatase 1 regulatory subunit 13 like; minus strand). Cytogenetic location: 19q13.32.
Variant type: single nucleotide variant.
Coding change: c.2433G>A on transcript NM_006663.4 (MANE Select); coding-DNA position 2433, G replaced by A.
Protein change: p.Pro811=; no amino-acid change (proline 811 retained).
Molecular consequence: synonymous variant.
Genome position (GRCh38, 1-based): chr19:45,382,542, C>T on the plus strand (G>A on the coding strand, the complement: PPP1R13L is on the minus strand). VCF-style: chr19-45382542-C-T. GRCh37 (hg19) VCF-style: chr19-45885800-C-T.
Other names: c.2433G>A, p.Pro811= (NM_001142502.2).
Identifiers: ClinVar variation 3895177 (VCV003895177.1), dbSNP rs753361779.